The following is an entry in ClinVar:

NM_182961.4(SYNE1):c.12607_12609delinsAAA (p.Glu4203Lys)

Gene: SYNE1 (spectrin repeat containing nuclear envelope protein 1; minus strand). Cytogenetic location: 6q25.2.
Variant type: Indel.
Coding change: c.12607_12609delinsAAA on transcript NM_182961.4 (MANE Select); coding-DNA positions 12607 to 12609, GAG replaced by AAA.
Protein change: p.Glu4203Lys; replaces glutamic acid 4203 with lysine.
Molecular consequence: missense variant.
Genome position (GRCh38, 1-based): chr6:152,334,193-152,334,195, CTC replaced by TTT on the plus strand (GAG replaced by AAA on the coding strand, the reverse complement: SYNE1 is on the minus strand). VCF-style: chr6-152334193-CTC-TTT. GRCh37 (hg19) VCF-style: chr6-152655328-CTC-TTT.
Other names: c.12394_12396delinsAAA, p.Glu4132Lys (NM_033071.5); short protein forms E4132K, E4203K.
Identifiers: ClinVar variation 994799 (VCV000994799.4), dbSNP rs2096322019, ClinGen allele CA1139659878.

ClinVar aggregate classification (germline): Conflicting classifications of pathogenicity. Review status: criteria provided, conflicting classifications (1 of 4 stars). 2 submissions from 2 submitters: Uncertain significance (1); Likely benign (1). Last evaluated 2020-12-07.

Submissions (2):

GeneDx
Classification: Uncertain significance. Last evaluated: 2020-12-07. Review status: criteria provided, single submitter. Criteria: GeneDx Variant Classification Process June 2021. Collection method: clinical testing. Allele origin: germline. Affected: yes.
Comment: In silico analysis supports that this variant does not alter protein structure/function; Has not been previously published as pathogenic or benign to our knowledge

Athena Diagnostics
Classification: Likely benign. Last evaluated: 2020-02-18. Review status: criteria provided, single submitter. Criteria: Athena Diagnostics Criteria. Collection method: clinical testing. Allele origin: unknown.